The following is an entry in ClinVar:

NM_001242896.3(DEPDC5):c.1154G>A (p.Arg385Gln)

Gene: DEPDC5 (DEP domain containing 5, GATOR1 subcomplex subunit; plus strand). Cytogenetic location: 22q12.3.
Variant type: single nucleotide variant.
Coding change: c.1154G>A on transcript NM_001242896.3 (MANE Select); coding-DNA position 1154, G replaced by A.
Protein change: p.Arg385Gln; replaces arginine 385 with glutamine.
Molecular consequence: missense variant. On other transcripts: non-coding transcript variant (5).
Genome position (GRCh38, 1-based): chr22:31,804,852, G>A. VCF-style: chr22-31804852-G-A. GRCh37 (hg19) VCF-style: chr22-32200838-G-A.
Other names: c.1154G>A, p.Arg385Gln (NM_001007188.4, NM_001136029.4, NM_001242897.2 and 7 more transcripts); c.1070G>A, p.Arg357Gln (NM_001369901.1, NM_001369902.1); short protein forms R357Q, R385Q.
Identifiers: ClinVar variation 652141 (VCV000652141.9), dbSNP rs368032858, ClinGen allele CA10196260.
Genomic context (GRCh38, chr22:31,804,852, plus strand): 5'-AAACCTACTTGTTCTGTAGCTTATCTGTGCTCTCATTTTTCTCCTTGCAGCTCCATAATC[G>A]GAGTGCTCCCCGTGATTCTCGTCTGGGCGATGACTATAATATCCCTCACTGGATAAACCA-3'
Protein context (NP_001229825.1, residues 375-395): HAVPLFKLHN[Arg385Gln]SAPRDSRLGD

ClinVar aggregate classification (germline): Uncertain significance (1 of 4 stars; one submission).

Conditions:
Familial focal epilepsy with variable foci (FPEVF). Identifiers: Orphanet 98820, MedGen C1858477, MONDO:0020310.

Allele frequency attached by ClinVar (database versions not stated): gnomAD exomes 0.00002; ExAC 0.00003; TOPMed 0.00003; gnomAD 0.00004; ESP Exome Variant Server 0.00008; 1000 Genomes Project 30x 0.00031.
gnomAD v4.1: 10 of 1,613,824 alleles (0.00062%); highest among the groups gnomAD compares: Middle Eastern, 0.017%; no homozygotes.

Submission:

Labcorp Genetics (formerly Invitae), Labcorp
Classification: Uncertain significance for Familial focal epilepsy with variable foci. Last evaluated: 2025-07-03. Review status: criteria provided, single submitter. Criteria: Invitae Variant Classification Sherloc (09022015). Collection method: clinical testing. Allele origin: germline.
Comment: This sequence change replaces arginine, which is basic and polar, with glutamine, which is neutral and polar, at codon 385 of the DEPDC5 protein (p.Arg385Gln). This variant is present in population databases (rs368032858, gnomAD 0.02%). This variant has not been reported in the literature in individuals affected with DEPDC5-related conditions. ClinVar contains an entry for this variant (Variation ID: 652141). Experimental studies and prediction algorithms are not available or were not evaluated, and the functional significance of this variant is currently unknown. In summary, the available evidence is currently insufficient to determine the role of this variant in disease. Therefore, it has been classified as a Variant of Uncertain Significance.